The following is an entry in ClinVar:

ClinVar aggregate classification (germline): Likely benign (0 of 4 stars; one submission).

Conditions:
OGG1-related disorder. Also called: OGG1-related condition.

gnomAD v4.1: 3 of 1,614,160 alleles (0.00019%); no homozygotes.

Submission:

PreventionGenetics, part of Exact Sciences
Classification: Likely benign for OGG1-related condition. Last evaluated: 2019-03-11. Review status: no assertion criteria provided. Collection method: clinical testing. Allele origin: germline.
Comment: This variant is classified as likely benign based on ACMG/AMP sequence variant interpretation guidelines (Richards et al. 2015 PMID: 25741868, with internal and published modifications).

NM_002542.6(OGG1):c.984T>C (p.His328=)

Gene: OGG1 (8-oxoguanine DNA glycosylase; plus strand). Cytogenetic location: 3p25.3.
Variant type: single nucleotide variant.
Coding change: c.984T>C on transcript NM_002542.6 (MANE Select); coding-DNA position 984, T replaced by C.
Protein change: p.His328=; no amino-acid change (histidine 328 retained).
Molecular consequence: synonymous variant. On other transcripts: 3 prime UTR variant (2), missense variant (1), non-coding transcript variant (3), intron variant (8).
Genome position (GRCh38, 1-based): chr3:9,757,096, T>C. VCF-style: chr3-9757096-T-C. GRCh37 (hg19) VCF-style: chr3-9798780-T-C.
Other names: c.*253T>C (NM_001354648.2, NM_016819.4); c.651T>C, p.His217= (NM_001354649.2); c.1001T>C, p.Met334Thr (NM_016820.4); c.948+280T>C (NM_016828.3, NM_016829.3, NM_016821.3); c.898+475T>C (NM_001354651.2); c.797+280T>C (NM_001354652.2, NM_001354650.2); c.747+2211T>C (NM_016826.3); c.565+5147T>C (NM_016827.3); short protein forms M334T.
Identifiers: ClinVar variation 3057387 (VCV003057387.2), dbSNP rs777473251, ClinGen allele CA351717002.